The following is an entry in ClinVar:

NM_004239.4(TRIP11):c.791G>A (p.Arg264Gln)

Gene: TRIP11 (thyroid hormone receptor interactor 11; minus strand). Cytogenetic location: 14q32.12.
Variant type: single nucleotide variant.
Coding change: c.791G>A on transcript NM_004239.4 (MANE Select); coding-DNA position 791, G replaced by A.
Protein change: p.Arg264Gln; replaces arginine 264 with glutamine.
Molecular consequence: missense variant.
Genome position (GRCh38, 1-based): chr14:92,015,728, C>T on the plus strand (G>A on the coding strand, the complement: TRIP11 is on the minus strand). VCF-style: chr14-92015728-C-T. GRCh37 (hg19) VCF-style: chr14-92482072-C-T.
Other names: c.788G>A, p.Arg263Gln (NM_001321851.1); short protein forms R263Q, R264Q.
Identifiers: ClinVar variation 3766485 (VCV003766485.1).

ClinVar aggregate classification (germline): Uncertain significance (1 of 4 stars; one submission).

gnomAD v4.1: 25 of 1,611,500 alleles (0.0016%); highest among the groups gnomAD compares: East Asian, 0.0022%; no homozygotes.

Submission:

ARUP Laboratories, Molecular Genetics and Genomics, ARUP Laboratories
Classification: Uncertain significance. Last evaluated: 2024-02-29. Review status: criteria provided, single submitter. Criteria: ARUP Molecular Germline Variant Investigation Process 2024. Collection method: clinical testing. Allele origin: germline.
Comment: The TRIP11 c.791G>A; p.Arg264Gln variant (rs372119113), to our knowledge, is not reported in the medical literature or gene specific databases. This variant is found in the general population with an allele frequency of 0.002% (5/281,552 alleles) in the Genome Aggregation Database. The arginine at codon 264 is highly conserved, but computational analyses are uncertain whether this variant is neutral or deleterious (REVEL: 0.223). Due to limited information, the clinical significance of the p.Arg264Gln variant is uncertain at this time.